The following is an entry in ClinVar:

NM_014112.5(TRPS1):c.3140C>T (p.Pro1047Leu)

Gene: TRPS1 (transcriptional repressor GATA binding 1; minus strand). Cytogenetic location: 8q23.3.
Variant type: single nucleotide variant.
Coding change: c.3140C>T on transcript NM_014112.5 (MANE Select); coding-DNA position 3140, C replaced by T.
Protein change: p.Pro1047Leu; replaces proline 1047 with leucine.
Molecular consequence: missense variant.
Genome position (GRCh38, 1-based): chr8:115,414,768, G>A on the plus strand (C>T on the coding strand, the complement: TRPS1 is on the minus strand). VCF-style: chr8-115414768-G-A. GRCh37 (hg19) VCF-style: chr8-116426996-G-A.
Other names: c.3113C>T, p.Pro1038Leu (NM_001282902.3); c.3119C>T, p.Pro1040Leu (NM_001282903.3); c.3101C>T, p.Pro1034Leu (NM_001330599.2); short protein forms P1047L, P1034L, P1038L, P1040L.
Identifiers: ClinVar variation 1493602 (VCV001493602.8), dbSNP rs200876887, ClinGen allele CA4851519.

ClinVar aggregate classification (germline): Uncertain significance (1 of 4 stars; one submission).

Conditions:
Trichorhinophalangeal syndrome, type III (TRPS3). Also called: SUGIO-KAJII SYNDROME. Identifiers: Orphanet 77258, MedGen C1860823, OMIM 190351, MONDO:0008597.
Trichorhinophalangeal dysplasia type I (TRPS1). Also called: TRICHORHINOPHALANGEAL SYNDROME, TYPE I; TRPS I. Identifiers: Orphanet 77258, MedGen C0432233, MONDO:0008596, OMIM 190350.

Allele frequency attached by ClinVar (database versions not stated): ExAC 0.00003; gnomAD exomes 0.00005 and 0.00009; TOPMed 0.00008; gnomAD 0.00010 and 0.00011.
gnomAD v4.1: 151 of 1,613,906 alleles (0.0094%); highest among the groups gnomAD compares: Non-Finnish European, 0.012%; 1 homozygote.

Submission:

Labcorp Genetics (formerly Invitae), Labcorp
Classification: Uncertain significance for Trichorhinophalangeal syndrome, type III; Trichorhinophalangeal dysplasia type I. Last evaluated: 2023-10-13. Review status: criteria provided, single submitter. Criteria: Invitae Variant Classification Sherloc (09022015). Collection method: clinical testing. Allele origin: germline.
Comment: This sequence change replaces proline, which is neutral and non-polar, with leucine, which is neutral and non-polar, at codon 1047 of the TRPS1 protein (p.Pro1047Leu). This variant is present in population databases (rs200876887, gnomAD 0.009%), and has an allele count higher than expected for a pathogenic variant. This variant has not been reported in the literature in individuals affected with TRPS1-related conditions. ClinVar contains an entry for this variant (Variation ID: 1493602). Advanced modeling of protein sequence and biophysical properties (such as structural, functional, and spatial information, amino acid conservation, physicochemical variation, residue mobility, and thermodynamic stability) performed at Invitae indicates that this missense variant is expected to disrupt TRPS1 protein function. In summary, the available evidence is currently insufficient to determine the role of this variant in disease. Therefore, it has been classified as a Variant of Uncertain Significance.